The following is an entry in ClinVar:

ClinVar aggregate classification (germline): Likely pathogenic (1 of 4 stars; one submission).

Conditions:
Werner syndrome (WRN). Identifiers: Orphanet 902, MedGen C0043119, MONDO:0010196, OMIM 277700.

Allele frequency attached by ClinVar (database versions not stated): gnomAD exomes below 0.00001.
gnomAD v4.1: 1 of 1,613,722 alleles (0.000062%); highest among the groups gnomAD compares: Non-Finnish European, 0.000085%; no homozygotes.

Submission:

Labcorp Genetics (formerly Invitae), Labcorp
Classification: Likely pathogenic for Werner syndrome. Last evaluated: 2021-11-29. Review status: criteria provided, single submitter. Criteria: Invitae Variant Classification Sherloc (09022015). Collection method: clinical testing. Allele origin: germline.
Comment: This sequence change affects an acceptor splice site in intron 29 of the WRN gene. RNA analysis indicates that disruption of this splice site induces altered splicing and may result in an absent or disrupted protein product. This variant is not present in population databases (gnomAD no frequency). Disruption of this splice site has been observed in individual(s) with Werner syndrome (PMID: 16673358, 25059010). Studies have shown that disruption of this splice site results in skipping of exon 30 and introduces a premature termination codon (PMID: 16673358). The resulting mRNA is expected to undergo nonsense-mediated decay. In summary, the currently available evidence indicates that the variant is pathogenic, but additional data are needed to prove that conclusively. Therefore, this variant has been classified as Likely Pathogenic.

Literature cited by the submitters: PubMed 16673358; PubMed 25059010.

NM_000553.6(WRN):c.3460-2A>G

Gene: WRN (WRN RecQ like helicase; plus strand). Cytogenetic location: 8p12.
Variant type: single nucleotide variant.
Coding change: c.3460-2A>G on transcript NM_000553.6 (MANE Select); the canonical splice acceptor site of the intron before coding-DNA position 3460, A replaced by G.
Molecular consequence: splice acceptor variant.
Genome position (GRCh38, 1-based): chr8:31,147,362, A>G. VCF-style: chr8-31147362-A-G. GRCh37 (hg19) VCF-style: chr8-31004878-A-G.
Identifiers: ClinVar variation 1492735 (VCV001492735.6), dbSNP rs281865159, ClinGen allele CA370925614.